The following is an entry in ClinVar:

NM_001082538.3(TCTN1):c.1034C>T (p.Ser345Leu)

Gene: TCTN1 (tectonic family member 1; plus strand). Cytogenetic location: 12q24.11.
Variant type: single nucleotide variant.
Coding change: c.1034C>T on transcript NM_001082538.3 (MANE Select); coding-DNA position 1034, C replaced by T.
Protein change: p.Ser345Leu; replaces serine 345 with leucine.
Molecular consequence: missense variant. On other transcripts: non-coding transcript variant (1).
Genome position (GRCh38, 1-based): chr12:110,641,079, C>T. VCF-style: chr12-110641079-C-T. GRCh37 (hg19) VCF-style: chr12-111078884-C-T.
Other names: c.1034C>T, p.Ser345Leu (NM_001082537.3, NM_001319680.2); c.866C>T, p.Ser289Leu (NM_001173975.3); c.854C>T, p.Ser285Leu (NM_001173976.2); c.500C>T, p.Ser167Leu (NM_001319681.2); c.992C>T, p.Ser331Leu (NM_024549.6); short protein forms S331L, S285L, S167L, S289L, S345L.
Identifiers: ClinVar variation 1469186 (VCV001469186.5), dbSNP rs764428510, ClinGen allele CA243565519.

ClinVar aggregate classification (germline): Uncertain significance. Review status: criteria provided, multiple submitters, no conflicts (2 of 4 stars). 3 submissions from 3 submitters: Uncertain significance (3). Last evaluated 2024-05-02.

Conditions:
Inborn genetic diseases. Identifiers: MedGen C0950123, MeSH D030342.
Meckel-Gruber syndrome. Also called: DYSENCEPHALIA SPLANCHNOCYSTICA; GRUBER SYNDROME; Dysencephalia splachnocystica. Identifiers: Orphanet 564, MedGen C0265215, MONDO:0018921.
Joubert syndrome. Also called: CEREBELLOPARENCHYMAL DISORDER IV; JOUBERT-BOLTSHAUSER SYNDROME; Familial aplasia of the vermis. Identifiers: Orphanet 475, MedGen C5979921, MONDO:0018772.

Allele frequency attached by ClinVar (database versions not stated): gnomAD exomes below 0.00001; gnomAD 0.00001; TOPMed 0.00002.
gnomAD v4.1: 2 of 1,614,114 alleles (0.00012%); highest among the groups gnomAD compares: African/African-American, 0.0013%; no homozygotes.

Submissions (3):

Ambry Genetics
Classification: Uncertain significance for Inborn genetic diseases. Last evaluated: 2024-05-02. Review status: criteria provided, single submitter. Criteria: Ambry Variant Classification Scheme 2023. Collection method: clinical testing. Allele origin: germline.

Labcorp Genetics (formerly Invitae), Labcorp
Classification: Uncertain significance for Joubert syndrome; Meckel-Gruber syndrome. Last evaluated: 2022-11-01. Review status: criteria provided, single submitter. Criteria: Invitae Variant Classification Sherloc (09022015). Collection method: clinical testing. Allele origin: germline.
Comment: This sequence change replaces serine, which is neutral and polar, with leucine, which is neutral and non-polar, at codon 345 of the TCTN1 protein (p.Ser345Leu). This variant is present in population databases (rs764428510, gnomAD 0.003%). This variant has not been reported in the literature in individuals affected with TCTN1-related conditions. ClinVar contains an entry for this variant (Variation ID: 1469186). Advanced modeling of protein sequence and biophysical properties (such as structural, functional, and spatial information, amino acid conservation, physicochemical variation, residue mobility, and thermodynamic stability) performed at Invitae indicates that this missense variant is not expected to disrupt TCTN1 protein function. In summary, the available evidence is currently insufficient to determine the role of this variant in disease. Therefore, it has been classified as a Variant of Uncertain Significance.

Women's Health and Genetics/Laboratory Corporation of America, LabCorp
Classification: Uncertain significance. Last evaluated: 2022-06-29. Review status: criteria provided, single submitter. Criteria: LabCorp Variant Classification Summary - May 2015. Collection method: clinical testing. Allele origin: germline.
Comment: Variant summary: TCTN1 c.1034C>T (p.Ser345Leu) results in a non-conservative amino acid change located in the tectonic domain (IPR011677) of the encoded protein sequence. Three of five in-silico tools predict a damaging effect of the variant on protein function. The variant allele was found at a frequency of 4e-06 in 249566 control chromosomes (gnomAD). The available data on variant occurrences in the general population are insufficient to allow any conclusion about variant significance. To our knowledge, no occurrence of c.1034C>T in individuals affected with Joubert Syndrome And Related Disorders and no experimental evidence demonstrating its impact on protein function have been reported. One clinical diagnostic laboratory has submitted a clinical-significance assessment for this variant to ClinVar after 2014 and classified the variant as uncertain significance. Based on the evidence outlined above, the variant was classified as uncertain significance.